The following is an entry in ClinVar:

ClinVar aggregate classification (germline): Uncertain significance (1 of 4 stars; one submission).

Conditions:
Isovaleryl-CoA dehydrogenase deficiency (IVA). Also called: ISOVALERIC ACID CoA DEHYDROGENASE DEFICIENCY; Classic Isovaleric Acidemia; Isovaleric acidemia; IVD DEFICIENCY. Identifiers: Orphanet 33, MedGen C0268575, MONDO:0009475, OMIM 243500.

Submission:

Labcorp Genetics (formerly Invitae), Labcorp
Classification: Uncertain significance for Isovaleryl-CoA dehydrogenase deficiency. Last evaluated: 2022-07-18. Review status: criteria provided, single submitter. Criteria: Invitae Variant Classification Sherloc (09022015). Collection method: clinical testing. Allele origin: germline.
Comment: In summary, the available evidence is currently insufficient to determine the role of this variant in disease. Therefore, it has been classified as a Variant of Uncertain Significance. Algorithms developed to predict the effect of missense changes on protein structure and function (SIFT, PolyPhen-2, Align-GVGD) all suggest that this variant is likely to be tolerated. This variant has not been reported in the literature in individuals affected with IVD-related conditions. This variant is not present in population databases (gnomAD no frequency). This sequence change replaces phenylalanine, which is neutral and non-polar, with serine, which is neutral and polar, at codon 27 of the IVD protein (p.Phe27Ser).

NM_002225.5(IVD):c.71T>C (p.Phe24Ser)

Gene: IVD (isovaleryl-CoA dehydrogenase; plus strand). Cytogenetic location: 15q15.1.
Variant type: single nucleotide variant.
Coding change: c.71T>C on transcript NM_002225.5 (MANE Select); coding-DNA position 71, T replaced by C.
Protein change: p.Phe24Ser; replaces phenylalanine 24 with serine.
Molecular consequence: missense variant. On other transcripts: 5 prime UTR variant (1), non-coding transcript variant (1).
Genome position (GRCh38, 1-based): chr15:40,405,898, T>C. VCF-style: chr15-40405898-T-C. GRCh37 (hg19) VCF-style: chr15-40698099-T-C.
Other names: c.71T>C, p.Phe24Ser (NM_001159508.3, NM_001354598.3, NM_001354599.3 and 2 more transcripts); c.-357T>C (NM_001354597.3); short protein forms F24S.
Identifiers: ClinVar variation 1713673 (VCV001713673.5), dbSNP rs2542619580, ClinGen allele CA391743626.